The following is an entry in ClinVar:

ClinVar aggregate classification (germline): Uncertain significance. Review status: criteria provided, multiple submitters, no conflicts (2 of 4 stars). 2 submissions from 2 submitters: Uncertain significance (2). Last evaluated 2025-11-29.

Conditions:
Inborn genetic diseases. Identifiers: MedGen C0950123, MeSH D030342.
Fanconi anemia (FA). Also called: Fanconi's anemia. Identifiers: Orphanet 84, MedGen C0015625, MeSH D005199, MONDO:0019391.

Submissions (2):

Ambry Genetics
Classification: Uncertain significance for Inborn genetic diseases. Last evaluated: 2025-11-29. Review status: criteria provided, single submitter. Criteria: Ambry Variant Classification Scheme 2023. Collection method: clinical testing. Allele origin: germline.
Comment: The p.T1741I variant (also known as c.5222C>T), located in coding exon 20 of the FANCM gene, results from a C to T substitution at nucleotide position 5222. The threonine at codon 1741 is replaced by isoleucine, an amino acid with similar properties. This amino acid position is conserved. In addition, this alteration is predicted to be tolerated by in silico analysis. Based on the available evidence, the clinical significance of this variant remains unclear.

Labcorp Genetics (formerly Invitae), Labcorp
Classification: Uncertain significance for Fanconi anemia. Last evaluated: 2024-08-17. Review status: criteria provided, single submitter. Criteria: Invitae Variant Classification Sherloc (09022015). Collection method: clinical testing. Allele origin: germline.
Comment: This sequence change replaces threonine, which is neutral and polar, with isoleucine, which is neutral and non-polar, at codon 1741 of the FANCM protein (p.Thr1741Ile). This variant is not present in population databases (gnomAD no frequency). This variant has not been reported in the literature in individuals affected with FANCM-related conditions. An algorithm developed to predict the effect of missense changes on protein structure and function (PolyPhen-2) suggests that this variant is likely to be tolerated. In summary, the available evidence is currently insufficient to determine the role of this variant in disease. Therefore, it has been classified as a Variant of Uncertain Significance.

NM_020937.4(FANCM):c.5222C>T (p.Thr1741Ile)

Gene: FANCM (FA complementation group M; plus strand). Cytogenetic location: 14q21.2.
Variant type: single nucleotide variant.
Coding change: c.5222C>T on transcript NM_020937.4 (MANE Select); coding-DNA position 5222, C replaced by T.
Protein change: p.Thr1741Ile; replaces threonine 1741 with isoleucine.
Molecular consequence: missense variant.
Genome position (GRCh38, 1-based): chr14:45,189,244, C>T. VCF-style: chr14-45189244-C-T. GRCh37 (hg19) VCF-style: chr14-45658447-C-T.
Other names: c.5144C>T, p.Thr1715Ile (NM_001308133.2); short protein forms T1715I, T1741I.
Identifiers: ClinVar variation 3608514 (VCV003608514.3).